The following is an entry in ClinVar:

ClinVar aggregate classification (germline): Conflicting classifications of pathogenicity. Review status: criteria provided, conflicting classifications (1 of 4 stars). 2 submissions from 2 submitters: Uncertain significance (1); Likely benign (1). Last evaluated 2026-04-01.

Allele frequency attached by ClinVar (database versions not stated): 1000 Genomes Project 0.00180; 1000 Genomes Project 30x 0.00250.

Submissions (2):

CeGaT Center for Human Genetics Tuebingen
Classification: Likely benign. Last evaluated: 2026-04-01. Review status: criteria provided, single submitter. Criteria: CeGaT Center For Human Genetics Tuebingen Variant Classification Criteria Version 2. Collection method: clinical testing. Allele origin: germline. Affected: yes. Observed: 21 variant alleles.
Comment: MKRN3: BS1

GeneDx
Classification: Uncertain significance. Last evaluated: 2022-10-10. Review status: criteria provided, single submitter. Criteria: GeneDx Variant Classification Process June 2021. Collection method: clinical testing. Allele origin: germline. Affected: yes.
Comment: Reported as g.+13C>T using alternate nomenclature and observed as a paternally inherited heterozygous variant in a patient with central precocious puberty in published literature (Fanis et al., 2019); Published functional studies suggest this variant has a negative effect on gene regulation, however additional studies are needed to validate the functional effect of this variant in vivo (Fanis et al., 2019); Located in the 5' UTR region of the gene; Nucleotide substitution has no predicted effect on splicing and is not conserved across species; This variant is associated with the following publications: (PMID: 34426522, 31636607)

NM_005664.4(MKRN3):c.-87C>T

Gene: MKRN3 (makorin ring finger protein 3; plus strand). Cytogenetic location: 15q11.2.
Variant type: single nucleotide variant.
Coding change: c.-87C>T on transcript NM_005664.4 (MANE Select); 87 bases upstream of the start codon, C replaced by T.
Molecular consequence: 5 prime UTR variant.
Genome position (GRCh38, 1-based): chr15:23,565,696, C>T. VCF-style: chr15-23565696-C-T. GRCh37 (hg19) VCF-style: chr15-23810843-C-T.
Identifiers: ClinVar variation 2497936 (VCV002497936.15), dbSNP rs184950120, ClinGen allele CA14094780.